The following is an entry in ClinVar:

NM_001323289.2(CDKL5):c.1196A>C (p.Asn399Thr)

Gene: CDKL5 (cyclin dependent kinase like 5; plus strand). Cytogenetic location: Xp22.13.
Variant type: single nucleotide variant.
Coding change: c.1196A>C on transcript NM_001323289.2 (MANE Select); coding-DNA position 1196, A replaced by C.
Protein change: p.Asn399Thr; replaces asparagine 399 with threonine.
Molecular consequence: missense variant.
Genome position (GRCh38, 1-based): chrX:18,604,120, A>C. VCF-style: chrX-18604120-A-C. GRCh37 (hg19) VCF-style: chrX-18622240-A-C.
Other names: NM_001323289.2(CDKL5):c.1196A>C; c.1196A>C, p.Asn399Thr (NM_001037343.2, NM_003159.3); short protein forms N399T.
Identifiers: ClinVar variation 143770 (VCV000143770.13), dbSNP rs267608611, ClinGen allele CA170438.

ClinVar aggregate classification (germline): Benign. Review status: reviewed by expert panel (3 of 4 stars). 6 submissions from 6 submitters: Benign (1). 5 of the submissions do not count toward it. Last evaluated 2025-08-27.

Conditions:
CDKL5 disorder. Identifiers: MedGen CN296942, MONDO:0100039.
Atypical Rett syndrome. Also called: Rett like syndrome; Variant Rett Syndrome. Identifiers: Orphanet 3095, MedGen C2748910, MONDO:0017746.
Developmental and epileptic encephalopathy, 2 (DEE2). Also called: INFANTILE SPASM SYNDROME, X-LINKED 2; CDKL5 deficiency disorder. Identifiers: Orphanet 1934, Orphanet 3451, Orphanet 505652, MedGen C4750718, MONDO:0010396, OMIM 300672.

Allele frequency attached by ClinVar (database versions not stated): ExAC 0.00001; gnomAD 0.00001; gnomAD exomes 0.00001; TOPMed 0.00001.
gnomAD v4.1: 15 of 1,209,798 alleles (0.0012%); highest among the groups gnomAD compares: Non-Finnish European, 0.0016%; no homozygotes.

Submissions (6):

ClinGen Rett and Angelman-like Disorders Variant Curation Expert Panel
Classification: Benign for CDKL5 disorder. Last evaluated: 2025-08-27. Review status: reviewed by expert panel. Criteria: ClinGen RettAS ACMG Specifications CDKL5 V5.0.0. Collection method: curation. Allele origin: germline. Inheritance: X-linked inheritance.
Comment: The highest population minor allele frequency of the p.Asn399Thr variant in CDKL5 in gnomAD v4.1 is 0.0000156 in Non-Finnish European population, which is higher than the ClinGen Rett and Angelman-like Disorders VCEP threshold (=0.0000083) for BS1, and therefore meets this criterion (BS1). The p.Asn399Thr variant in CDKL5 is observed in at least 2 unaffected individuals (internal database - GeneDx) (BS2). Computational analysis prediction tools suggest that the p.Asn399Thr variant does not have a deleterious impact; however this information does not predict clinical significance on its own (BP4). In summary, the p.Asn399Thr variant in CDKL5 is classified as benign based on the ACMG/AMP criteria (BS1, BS2, BP4). (CDKL5 Specifications v.5.0.0; curation approved on 8/27/2025)

Women's Health and Genetics/Laboratory Corporation of America, LabCorp
Classification: Likely benign. Last evaluated: 2025-10-30. Review status: criteria provided, single submitter. Criteria: LabCorp Variant Classification Summary - May 2015. Collection method: clinical testing. Allele origin: germline. Not counted in ClinVar's aggregate classification.
Comment: Variant summary: CDKL5 c.1196A>C (p.Asn399Thr) results in a non-conservative amino acid change in the encoded protein sequence. Algorithms developed to predict the effect of missense changes on protein structure and function are either unavailable or do not agree on the potential impact of this missense change. The variant allele was found at a frequency of 1.2e-05 in 1209798 control chromosomes in the gnomAD database (v4.1 dataset), including 3 hemizygous control individuals, which is inconsistent with the early onset/severe presentation for CDKL5-related conditions. In addition, an expert panel (ClinGen Rett and Angelman-like Disorders Variant Curation Expert Panel) found that this variant has a gnomAD frequency which is higher than the ClinGen Rett and Angelman-like Disorders VCEP threshold (=0.0000083). The variant, c.1196A>C, has been reported in the literature in an individual affected with neurodevelopmental phenotypes, including infantile spasms, severe psychomotor delay and abnormal EGG and brain MRI (Sprovieri_2009), however, no supportive evidence for causality was provided. At least one publication reported experimental evidence evaluating an impact on protein function and demonstrated similar kinase activity to the WT on endogenous substrates both in vitro, and in transfected cells (Munoz_2018). The following publications have been ascertained in the context of this evaluation (PMID: 19253388, 22670135, 29264392, 30197081, 34605059, 30266825). ClinVar contains an entry for this variant (Variation ID: 143770). Based on the evidence outlined above, the variant was classified as likely benign.

Centre for Population Genomics, CPG
Classification: Likely benign for CDKL5 disorder. Last evaluated: 2024-09-12. Review status: criteria provided, single submitter. Criteria: McKnight et al. (Hum Mutat. 2022). Collection method: curation. Allele origin: germline. Inheritance: X-linked inheritance. Not counted in ClinVar's aggregate classification.
Comment: This variant has been collected from RettBASE and curated to current modified ACMG/AMP criteria. Based on the classification scheme defined by the ClinGen Rett/Angelman-like Expert Panel for Rett/AS-like Disorders Specifications to the ACMG/AMP Variant Interpretation Guidelines VCEP 3.0, this variant is classified as likely benign. At least the following criteria are met: The variant is observed in at least 2 individuals with no features of CDKL5 disorder (BS2, ClinGen Rett and Angelman-like Disorders Variant Curation Expert Panel internal database). Computational prediction analysis tools suggest no impact on gene product (REVEL score <= 0.15) (BP4).

Fulgent Genetics
Classification: Uncertain significance for Developmental and epileptic encephalopathy, 2. Last evaluated: 2018-10-31. Review status: criteria provided, single submitter. Criteria: ACMG Guidelines, 2015. Collection method: clinical testing. Allele origin: unknown. Not counted in ClinVar's aggregate classification.

GeneDx
Classification: Uncertain significance. Last evaluated: 2016-01-07. Review status: criteria provided, single submitter. Criteria: GeneDx Variant Classification (06012015). Collection method: clinical testing. Allele origin: germline. Affected: yes. Not counted in ClinVar's aggregate classification.
Comment: The N399T variant was not observed in approximately 6,500 individuals of European and African American ancestry in the NHLBI Exome Sequencing Project, indicating it is not a common benign variant in these populations. The N399T variant is a conservative amino acid substitution, which is not likely to impact secondary protein structure as these residues share similar properties. This substitution occurs at a position where amino acids with similar properties to Asparagine are tolerated across species. In silico analysis is inconsistent in its predictions as to whether or not the variant is damaging to the protein structure/function. We interpret N399T as a variant of uncertain significance

RettBASE
Classification: Uncertain significance for Atypical Rett syndrome. Last evaluated: 2014-03-13. Review status: no assertion criteria provided. Collection method: curation. Allele origin: unknown. Affected: yes. Observed: 1 variant allele. Not counted in ClinVar's aggregate classification.
Comment: In silico predictions: SIFT = deleterious, MutationTaster = disease-causing, PolyPhen2 = benign, AlignGVGD = benign (C0)

Literature cited by the submitters: PubMed 19253388 (cited by Women's Health and Genetics/Laboratory Corporation of America, LabCorp and RettBASE); PubMed 30197081 (cited by Women's Health and Genetics/Laboratory Corporation of America, LabCorp); PubMed 22670135 (cited by Women's Health and Genetics/Laboratory Corporation of America, LabCorp); PubMed 29264392 (cited by Women's Health and Genetics/Laboratory Corporation of America, LabCorp); PubMed 34605059 (cited by Women's Health and Genetics/Laboratory Corporation of America, LabCorp); PubMed 30266825 (cited by Women's Health and Genetics/Laboratory Corporation of America, LabCorp).